The following is an entry in ClinVar:

NM_004629.2(FANCG):c.917T>C (p.Leu306Pro)

Gene: FANCG (FA complementation group G; minus strand). Cytogenetic location: 9p13.3.
Variant type: single nucleotide variant.
Coding change: c.917T>C on transcript NM_004629.2 (MANE Select); coding-DNA position 917, T replaced by C.
Protein change: p.Leu306Pro; replaces leucine 306 with proline.
Molecular consequence: missense variant.
Genome position (GRCh38, 1-based): chr9:35,076,731, A>G on the plus strand (T>C on the coding strand, the complement: FANCG is on the minus strand). VCF-style: chr9-35076731-A-G. GRCh37 (hg19) VCF-style: chr9-35076728-A-G.
Other names: short protein forms L306P.
Identifiers: ClinVar variation 2202538 (VCV002202538.3), dbSNP rs375601834, ClinGen allele CA5039916.

ClinVar aggregate classification (germline): Uncertain significance. Review status: criteria provided, multiple submitters, no conflicts (2 of 4 stars). 3 submissions from 3 submitters: Uncertain significance (3). Last evaluated 2024-01-25.

Conditions:
Fanconi anemia complementation group G. Also called: Fanconi anemia group G; FANCG-Related Fanconi Anemia. Identifiers: Orphanet 84, MedGen C3469527, MONDO:0013565, OMIM 614082.
Fanconi anemia (FA). Also called: Fanconi's anemia. Identifiers: Orphanet 84, MedGen C0015625, MeSH D005199, MONDO:0019391.

Allele frequency attached by ClinVar (database versions not stated): gnomAD exomes 0.00001; ExAC 0.00002; gnomAD 0.00002; TOPMed 0.00002; ESP Exome Variant Server 0.00008.
gnomAD v4.1: 20 of 1,614,072 alleles (0.0012%); highest among the groups gnomAD compares: Non-Finnish European, 0.0016%; no homozygotes.

Submissions (3):

Fulgent Genetics
Classification: Uncertain significance for Fanconi anemia complementation group G. Last evaluated: 2024-01-25. Review status: criteria provided, single submitter. Criteria: ACMG Guidelines, 2015. Collection method: clinical testing. Allele origin: germline.

Blueprint Genetics
Classification: Uncertain significance. Last evaluated: 2021-12-29. Review status: criteria provided, single submitter. Criteria: ACMG Guidelines, 2015. Collection method: clinical testing. Allele origin: germline.

Labcorp Genetics (formerly Invitae), Labcorp
Classification: Uncertain significance for Fanconi anemia. Last evaluated: 2021-08-31. Review status: criteria provided, single submitter. Criteria: Invitae Variant Classification Sherloc (09022015). Collection method: clinical testing. Allele origin: germline.
Comment: This sequence change replaces leucine with proline at codon 306 of the FANCG protein (p.Leu306Pro). The leucine residue is highly conserved and there is a moderate physicochemical difference between leucine and proline. This variant is present in population databases (rs375601834, ExAC 0.004%). This variant has not been reported in the literature in individuals affected with FANCG-related conditions. Algorithms developed to predict the effect of missense changes on protein structure and function are either unavailable or do not agree on the potential impact of this missense change (SIFT: "Deleterious"; PolyPhen-2: "Probably Damaging"; Align-GVGD: "Class C0"). In summary, the available evidence is currently insufficient to determine the role of this variant in disease. Therefore, it has been classified as a Variant of Uncertain Significance.